The following is an entry in ClinVar:

NM_007294.4(BRCA1):c.4376A>G (p.Lys1459Arg)

Gene: BRCA1 (BRCA1 DNA repair associated; minus strand). Cytogenetic location: 17q21.31.
Variant type: single nucleotide variant.
Coding change: c.4376A>G on transcript NM_007294.4 (MANE Select); coding-DNA position 4376, A replaced by G.
Protein change: p.Lys1459Arg; replaces lysine 1459 with arginine.
Molecular consequence: missense variant. On other transcripts: non-coding transcript variant (1).
Genome position (GRCh38, 1-based): chr17:43,076,596, T>C on the plus strand (A>G on the coding strand, the complement: BRCA1 is on the minus strand). VCF-style: chr17-43076596-T-C. GRCh37 (hg19) VCF-style: chr17-41228613-T-C.
Other names: c.4235A>G, p.Lys1412Arg (NM_001407695.1, NM_001407696.1, NM_001407698.1 and 13 more transcripts); c.947A>G, p.Lys316Arg (NM_001408421.1, NM_001408422.1, NM_001408423.1 and 1 more transcripts); c.944A>G, p.Lys315Arg (NM_001408427.1, NM_001408428.1, NM_001408429.1 and 4 more transcripts); c.4163A>G, p.Lys1388Arg (NM_001407571.1, NM_001407894.1, NM_001407895.1 and 12 more transcripts); c.4442A>G, p.Lys1481Arg (NM_001407581.1, NM_001407582.1); c.4439A>G, p.Lys1480Arg (NM_001407583.1, NM_001407585.1, NM_001407587.1 and 1 more transcripts); c.4436A>G, p.Lys1479Arg (NM_001407590.1, NM_001407591.1); c.4376A>G, p.Lys1459Arg (NM_001407593.1, NM_001407594.1, NM_001407596.1 and 8 more transcripts); and 68 more; short protein forms K1459R, K355R, K1480R, K1412R, K1162R, K1163R, K1369R, K1387R.
Identifiers: ClinVar variation 479194 (VCV000479194.6), dbSNP rs1555582697, ClinGen allele CA10592789.
Genomic context (GRCh38, chr17:43,076,596, plus strand): 5'-ACCTCAAACTTGTCAGCAGAAAGGCCTTCTGGATTCTGGCTTATAGGGTATTCACTACTT[T>C]TCTGTGAAGTTAATACTGCTTTAAATGGAATGAGAAAACAAATCTACTTTACTGCTTTGT-3'
Protein context (NP_009225.1, residues 1449-1469): TSEKAVLTSQ[Lys1459Arg]SSEYPISQNP

ClinVar aggregate classification (germline): Uncertain significance (1 of 4 stars; one submission).

Conditions:
Hereditary cancer-predisposing syndrome. Also called: Neoplastic Syndromes, Hereditary; Hereditary Cancer Syndrome; Hereditary neoplastic syndrome; Tumor predisposition. Identifiers: Orphanet 140162, MedGen C0027672, MeSH D009386, MONDO:0015356.

Allele frequency attached by ClinVar (database versions not stated): gnomAD exomes below 0.00001.
gnomAD v4.1: 2 of 1,613,650 alleles (0.00012%); highest among the groups gnomAD compares: East Asian, 0.0022%; no homozygotes.

Submission:

Ambry Genetics
Classification: Uncertain significance for Hereditary cancer-predisposing syndrome. Last evaluated: 2016-05-16. Review status: criteria provided, single submitter. Criteria: Ambry Variant Classification Scheme 2023. Collection method: clinical testing. Allele origin: germline.
Comment: The p.K1459R variant (also known as c.4376A>G), located in coding exon 12 of the BRCA1 gene, results from an A to G substitution at nucleotide position 4376. The lysine at codon 1459 is replaced by arginine, an amino acid with highly similar properties. This variant was not reported in population based cohorts in the following databases: Database of Single Nucleotide Polymorphisms (dbSNP), NHLBI Exome Sequencing Project (ESP), and 1000 Genomes Project. In the ESP, this variant was not observed in 6501 samples (13002 alleles) with coverage at this position. To date, this alteration has been detected with an allele frequency of approximately 0.0004% (greater than 225000 alleles tested) in our clinical cohort. This amino acid position is poorly conserved in available vertebrate species. In addition, the in silico prediction for this alteration is inconclusive. Since supporting evidence is limited at this time, the clinical significance of this alteration remains unclear.